The following is an entry in ClinVar:

NM_020975.6(RET):c.2799T>C (p.Asp933=)

Genes: RET (ret proto-oncogene; plus strand), LOC130003710 (ATAC-STARR-seq lymphoblastoid active region 3286; plus strand). Cytogenetic location: 10q11.21.
Variant type: single nucleotide variant.
Coding change: c.2799T>C on transcript NM_020975.6 (MANE Select); coding-DNA position 2799, T replaced by C.
Protein change: p.Asp933=; no amino-acid change (aspartic acid 933 retained).
Molecular consequence: synonymous variant.
Genome position (GRCh38, 1-based): chr10:43,122,014, T>C. VCF-style: chr10-43122014-T-C. GRCh37 (hg19) VCF-style: chr10-43617462-T-C.
Other names: c.2403T>C, p.Asp801= (NM_001406769.1, NM_001406772.1); c.2511T>C, p.Asp837= (NM_001406770.1, NM_001406766.1, NM_001406767.1); c.2361T>C, p.Asp787= (NM_001406771.1, NM_001406773.1); c.2274T>C, p.Asp758= (NM_001406774.1); c.2073T>C, p.Asp691= (NM_001406775.1, NM_001406776.1, NM_001406777.1 and 1 more transcripts); c.1902T>C, p.Asp634= (NM_001406779.1, NM_001406780.1, NM_001406781.1 and 1 more transcripts); c.1773T>C, p.Asp591= (NM_001406783.1, NM_001406786.1); c.1809T>C, p.Asp603= (NM_001406784.1); and 10 more.
Identifiers: ClinVar variation 1796116 (VCV001796116.6), dbSNP rs1838229268, ClinGen allele CA469029760.

ClinVar aggregate classification (germline): Benign/Likely benign. Review status: criteria provided, multiple submitters, no conflicts (2 of 4 stars). 4 submissions from 4 submitters: Benign (1); Likely benign (3). Last evaluated 2025-02-27.

Conditions:
Multiple endocrine neoplasia, type 2 (MEN2). Identifiers: Orphanet 653, MedGen C4048306, MONDO:0019003. Disease mechanism: gain of function.
Hereditary cancer-predisposing syndrome. Also called: Tumor predisposition; Hereditary Cancer Syndrome; Neoplastic Syndromes, Hereditary; Hereditary neoplastic syndrome. Identifiers: Orphanet 140162, MedGen C0027672, MeSH D009386, MONDO:0015356.
Multiple endocrine neoplasia type 2A. Also called: Multiple Endocrine Neoplasia Type 2A (MEN2A); MULTIPLE ENDOCRINE NEOPLASIA, TYPE IIA; PTC SYNDROME; SIPPLE SYNDROME; MEN 2A; MEN-2A syndrome. Identifiers: Orphanet 247698, Orphanet 653, MedGen C0025268, MeSH D018813, MONDO:0008234, OMIM 171400.

Submissions (4):

Myriad Genetics, Inc.
Classification: Benign for Multiple endocrine neoplasia type 2A. Last evaluated: 2025-02-27. Review status: criteria provided, single submitter. Criteria: Myriad Autosomal Dominant, Autosomal Recessive and X-Linked Classification Criteria (2023). Collection method: clinical testing. Allele origin: unknown.
Comment: This variant is considered benign. This variant is a silent/synonymous amino acid change and it is not expected to impact splicing.

Labcorp Genetics (formerly Invitae), Labcorp
Classification: Likely benign for Multiple endocrine neoplasia, type 2. Last evaluated: 2024-02-13. Review status: criteria provided, single submitter. Criteria: Invitae Variant Classification Sherloc (09022015). Collection method: clinical testing. Allele origin: germline.

All of Us Research Program, National Institutes of Health
Classification: Likely benign for Multiple endocrine neoplasia, type 2. Last evaluated: 2023-11-20. Review status: criteria provided, single submitter. Criteria: ACMG Guidelines, 2015. Collection method: clinical testing. Allele origin: germline. Inheritance: Autosomal dominant inheritance. Observed: 1 variant allele, 1 heterozygote.
Comment: This study involves interpretation of variants in research participants for the purpose of population health screening. Participant phenotype was not available at the time of variant classification. Additional details can be found in publication PMID: 35346344, PMCID: PMC8962531

Ambry Genetics
Classification: Likely benign for Hereditary cancer-predisposing syndrome. Last evaluated: 2022-03-23. Review status: criteria provided, single submitter. Criteria: Ambry Variant Classification Scheme 2023. Collection method: clinical testing. Allele origin: germline.